The following is an entry in ClinVar:

ClinVar aggregate classification (germline): Benign/Likely benign. Review status: criteria provided, multiple submitters, no conflicts (2 of 4 stars). 4 submissions from 4 submitters: Benign (1); Likely benign (3). Last evaluated 2025-10-21.

Conditions:
Idiopathic generalized epilepsy. Also called: Generalised epilepsy; EIG. Identifiers: MedGen C0270850, MONDO:0005579, OMIM 600669.
Epilepsy, idiopathic generalized, susceptibility to, 13. Also called: EPILEPSY, JUVENILE MYOCLONIC, SUSCEPTIBILITY TO, 5. Identifiers: Orphanet 307, Orphanet 64280, MedGen C4013473, MONDO:0012627, OMIM 611136.
Epilepsy, childhood absence 4 (ECA4). Also called: EPILEPSY, CHILDHOOD ABSENCE, SUSCEPTIBILITY TO, 4. Identifiers: Orphanet 307, MedGen C1970160.

Allele frequency attached by ClinVar (database versions not stated): TOPMed 0.00003; gnomAD 0.00004 and 0.00005; ExAC 0.00005; gnomAD exomes 0.00008; 1000 Genomes Project 30x 0.00031; 1000 Genomes Project 0.00040.
gnomAD v4.1: 128 of 1,614,046 alleles (0.0079%); highest among the groups gnomAD compares: East Asian, 0.016%; no homozygotes.

Submissions (4):

Labcorp Genetics (formerly Invitae), Labcorp
Classification: Likely benign for Epilepsy, childhood absence 4; Epilepsy, idiopathic generalized, susceptibility to, 13; Idiopathic generalized epilepsy. Last evaluated: 2025-10-21. Review status: criteria provided, single submitter. Criteria: Invitae Variant Classification Sherloc (09022015). Collection method: clinical testing. Allele origin: germline.

Blueprint Genetics
Classification: Likely benign. Last evaluated: 2024-08-21. Review status: criteria provided, single submitter. Criteria: ACMG Guidelines, 2015. Collection method: clinical testing. Allele origin: germline.

CeGaT Center for Human Genetics Tuebingen
Classification: Likely benign. Last evaluated: 2024-04-01. Review status: criteria provided, single submitter. Criteria: CeGaT Center For Human Genetics Tuebingen Variant Classification Criteria Version 2. Collection method: clinical testing. Allele origin: germline. Affected: yes. Observed: 1 variant allele.
Comment: GABRA1: BP4, BP7

GeneDx
Classification: Benign. Last evaluated: 2014-03-20. Review status: criteria provided, single submitter. Criteria: GeneDx Variant Classification (06012015). Collection method: clinical testing. Allele origin: germline. Affected: yes.
Comment: This variant is considered likely benign or benign based on one or more of the following criteria: it is a conservative change, it occurs at a poorly conserved position in the protein, it is predicted to be benign by multiple in silico algorithms, and/or has population frequency not consistent with disease.

NM_001127644.2(GABRA1):c.1284G>A (p.Pro428=)

Gene: GABRA1 (gamma-aminobutyric acid type A receptor subunit alpha1; plus strand). Cytogenetic location: 5q34.
Variant type: single nucleotide variant.
Coding change: c.1284G>A on transcript NM_001127644.2 (MANE Select); coding-DNA position 1284, G replaced by A.
Protein change: p.Pro428=; no amino-acid change (proline 428 retained).
Molecular consequence: synonymous variant.
Genome position (GRCh38, 1-based): chr5:161,897,335, G>A. VCF-style: chr5-161897335-G-A. GRCh37 (hg19) VCF-style: chr5-161324341-G-A.
Other names: p.P428P:CCG>CCA; c.1284G>A, p.Pro428= (NM_000806.5, NM_001127643.2, NM_001127645.2 and 1 more transcripts).
Identifiers: ClinVar variation 137415 (VCV000137415.33), dbSNP rs74873701, ClinGen allele CA290980.